The following is an entry in ClinVar:

NM_002024.6(FMR1):c.1032G>C (p.Arg344Ser)

Gene: FMR1 (fragile X messenger ribonucleoprotein 1; plus strand). Cytogenetic location: Xq27.3.
Variant type: single nucleotide variant.
Coding change: c.1032G>C on transcript NM_002024.6 (MANE Select); coding-DNA position 1032, G replaced by C.
Protein change: p.Arg344Ser; replaces arginine 344 with serine.
Molecular consequence: missense variant. On other transcripts: non-coding transcript variant (2).
Genome position (GRCh38, 1-based): chrX:147,937,507, G>C. VCF-style: chrX-147937507-G-C. GRCh37 (hg19) VCF-style: chrX-147019026-G-C.
Other names: c.1032G>C, p.Arg344Ser (NM_001185075.2, NM_001185076.2, NM_001185081.2 and 1 more transcripts); short protein forms R344S.
Identifiers: ClinVar variation 2633326 (VCV002633326.1), dbSNP rs2043832736, ClinGen allele CA414442206.

ClinVar aggregate classification (germline): Uncertain significance (1 of 4 stars; one submission).

Conditions:
FMR1-related disorder. Also called: FMR1-related condition.

Allele frequency attached by ClinVar (database versions not stated): TOPMed below 0.00001.

Submission:

PreventionGenetics, part of Exact Sciences
Classification: Uncertain significance for FMR1-related condition. Last evaluated: 2023-04-26. Review status: criteria provided, single submitter. Criteria: ACMG Guidelines, 2015. Collection method: clinical testing. Allele origin: germline.
Comment: The FMR1 c.1032G>C variant is predicted to result in the amino acid substitution p.Arg344Ser. To our knowledge, this variant has not been reported in the literature or in a large population database, indicating this variant is rare. At this time, the clinical significance of this variant is uncertain due to the absence of conclusive functional and genetic evidence.